The following is an entry in ClinVar:

NM_000260.4(MYO7A):c.2137_2138insAAAGGTT (p.Leu713fs)

Gene: MYO7A (myosin VIIA; plus strand). Cytogenetic location: 11q13.5.
Variant type: Insertion.
Coding change: c.2137_2138insAAAGGTT on transcript NM_000260.4 (MANE Select); coding-DNA positions 2137 to 2138, AAAGGTT inserted.
Protein change: p.Leu713fs; shifts the reading frame from leucine 713.
Molecular consequence: frameshift variant.
Genome position: GRCh38 VCF-style: chr11-77175414-C-CAAAGGTT. GRCh37 (hg19) VCF-style: chr11-76886460-C-CAAAGGTT.
Other names: c.2137_2138insAAAGGTT, p.Leu713fs (NM_001127180.2); c.2104_2105insAAAGGTT, p.Leu702fs (NM_001369365.1); short protein forms L702fs, L713fs.
Identifiers: ClinVar variation 1726274 (VCV001726274.2), dbSNP rs2497089724, ClinGen allele CA2580084935.

ClinVar aggregate classification (germline): Likely pathogenic (1 of 4 stars; one submission).

Conditions:
Usher syndrome type 1 (USH1). Also called: RETINITIS PIGMENTOSA AND CONGENITAL DEAFNESS. Identifiers: Orphanet 231169, Orphanet 886, MedGen C1568247, MONDO:0010168, OMIM 276900.

Submission:

Myriad Genetics, Inc.
Classification: Likely pathogenic for Usher syndrome type 1. Last evaluated: 2021-12-10. Review status: criteria provided, single submitter. Criteria: Myriad Women's Health Autosomal Recessive and X-Linked Classification Criteria (2021). Collection method: clinical testing. Allele origin: unknown.
Comment: NM_000260.3(MYO7A):c.2137_2138ins7(L713Qfs*8) is expected to be pathogenic in the context of MYO7A-related disorders. This variant is predicted to lead to an abnormal or absent protein product due to the creation of a premature termination codon in MYO7A, a gene where loss-of-function variants are known to be pathogenic. Please note: this variant was assessed in the context of healthy population screening.